The following is an entry in ClinVar:

ClinVar aggregate classification (germline): Uncertain significance (1 of 4 stars; one submission).

Conditions:
KANK4-related disorder. Also called: KANK4-related condition.

Allele frequency attached by ClinVar (database versions not stated): gnomAD exomes below 0.00001; ExAC 0.00001.
gnomAD v4.1: 6 of 1,614,214 alleles (0.00037%); highest among the groups gnomAD compares: African/African-American, 0.004%; no homozygotes.

Submission:

PreventionGenetics, part of Exact Sciences
Classification: Uncertain significance for KANK4-related condition. Last evaluated: 2022-12-19. Review status: criteria provided, single submitter. Criteria: ACMG Guidelines, 2015. Collection method: clinical testing. Allele origin: germline.
Comment: The KANK4 c.1259A>G variant is predicted to result in the amino acid substitution p.His420Arg. To our knowledge, this variant has not been reported in the literature. This variant is reported in 0.0080% of alleles in individuals of African descent in gnomAD. At this time, the clinical significance of this variant is uncertain due to the absence of conclusive functional and genetic evidence.

NM_181712.5(KANK4):c.1259A>G (p.His420Arg)

Gene: KANK4 (KN motif and ankyrin repeat domains 4; minus strand). Cytogenetic location: 1p31.3.
Variant type: single nucleotide variant.
Coding change: c.1259A>G on transcript NM_181712.5 (MANE Select); coding-DNA position 1259, A replaced by G.
Protein change: p.His420Arg; replaces histidine 420 with arginine.
Molecular consequence: missense variant. On other transcripts: intron variant (1).
Genome position (GRCh38, 1-based): chr1:62,273,845, T>C on the plus strand (A>G on the coding strand, the complement: KANK4 is on the minus strand). VCF-style: chr1-62273845-T-C. GRCh37 (hg19) VCF-style: chr1-62739517-T-C.
Other names: c.17-2256A>G (NM_001320269.2); short protein forms H420R.
Identifiers: ClinVar variation 2629565 (VCV002629565.1), dbSNP rs779025573, ClinGen allele CA884412.